The following is an entry in ClinVar:

NM_001347721.2(DYRK1A):c.139A>G (p.Asn47Asp)

Gene: DYRK1A (dual specificity tyrosine phosphorylation regulated kinase 1A; plus strand). Cytogenetic location: 21q22.13.
Variant type: single nucleotide variant.
Coding change: c.139A>G on transcript NM_001347721.2 (MANE Select); coding-DNA position 139, A replaced by G.
Protein change: p.Asn47Asp; replaces asparagine 47 with aspartic acid.
Molecular consequence: missense variant.
Genome position (GRCh38, 1-based): chr21:37,472,812, A>G. VCF-style: chr21-37472812-A-G. GRCh37 (hg19) VCF-style: chr21-38845114-A-G.
Other names: c.139A>G, p.Asn47Asp (NM_001347722.2, NM_001396.5, NM_101395.2 and 2 more transcripts); c.52A>G, p.Asn18Asp (NM_001347723.2); short protein forms N47D, N18D.
Identifiers: ClinVar variation 581720 (VCV000581720.9), dbSNP rs1569354907, ClinGen allele CA409942577.

ClinVar aggregate classification (germline): Uncertain significance (1 of 4 stars; one submission).

Conditions:
DYRK1A-related intellectual disability syndrome (MRD7). Also called: Intellectual developmental disorder, autosomal dominant 7; DYRK1A Syndrome. Identifiers: Orphanet 464306, MedGen C5568143, MONDO:0013578, OMIM 614104.

Allele frequency attached by ClinVar (database versions not stated): gnomAD exomes below 0.00001.
gnomAD v4.1: 1 of 1,609,828 alleles (0.000062%); highest among the groups gnomAD compares: South Asian, 0.0011%; no homozygotes.

Submission:

Labcorp Genetics (formerly Invitae), Labcorp
Classification: Uncertain significance for DYRK1A-related intellectual disability syndrome. Last evaluated: 2022-02-03. Review status: criteria provided, single submitter. Criteria: Invitae Variant Classification Sherloc (09022015). Collection method: clinical testing. Allele origin: germline.
Comment: In summary, the available evidence is currently insufficient to determine the role of this variant in disease. Therefore, it has been classified as a Variant of Uncertain Significance. Advanced modeling of protein sequence and biophysical properties (such as structural, functional, and spatial information, amino acid conservation, physicochemical variation, residue mobility, and thermodynamic stability) performed at Invitae indicates that this missense variant is not expected to disrupt DYRK1A protein function. ClinVar contains an entry for this variant (Variation ID: 581720). This missense change has been observed in individual(s) with clinical features of DYRK1A-related conditions (Invitae). This variant is not present in population databases (gnomAD no frequency). This sequence change replaces asparagine, which is neutral and polar, with aspartic acid, which is acidic and polar, at codon 47 of the DYRK1A protein (p.Asn47Asp).